The following is an entry in ClinVar:

NM_000038.6(APC):c.2156dup (p.Met720fs)

Gene: APC (APC regulator of Wnt signaling pathway; plus strand). Cytogenetic location: 5q22.2.
Variant type: Duplication.
Coding change: c.2156dup on transcript NM_000038.6 (MANE Select); coding-DNA position 2156, one base duplicated (C; older notation c.2156dupC).
Protein change: p.Met720fs; shifts the reading frame from methionine 720.
Molecular consequence: frameshift variant. On other transcripts: non-coding transcript variant (2).
Genome position (GRCh38, 1-based): chr5:112,837,750, C duplicated. VCF-style (leftmost placement, unchanged base first): chr5-112837749-G-GC. GRCh37 (hg19) VCF-style: chr5-112173446-G-GC.
Other names: c.2186dup, p.Met730fs (NM_001354897.2); c.2081dup, p.Met695fs (NM_001354898.2); c.1883dup, p.Met629fs (NM_001354902.2); c.1853dup, p.Met619fs (NM_001354903.2, NM_001407458.1, NM_001407459.1 and 1 more transcripts); c.2033dup, p.Met679fs (NM_001354900.2); c.1979dup, p.Met661fs (NM_001354901.2, NM_001407453.1); c.2072dup, p.Met692fs (NM_001354899.2); c.2210dup, p.Met738fs (NM_001407449.1, NM_001354896.2, NM_001407447.1 and 1 more transcripts); and 11 more; short protein forms M336fs, M437fs, M560fs, M591fs, M594fs, M619fs, M629fs, M637fs.
Identifiers: ClinVar variation 2583874 (VCV002583874.1), dbSNP rs2533400856, ClinGen allele CA2582341428.

ClinVar aggregate classification (germline): Pathogenic (1 of 4 stars; one submission).

Conditions:
Familial adenomatous polyposis 1 (FAP1). Also called: FAMILIAL ADENOMATOUS POLYPOSIS 1, ATTENUATED; POLYPOSIS, ADENOMATOUS INTESTINAL. Identifiers: MedGen C2713442, MONDO:0021056, OMIM 175100. Disease mechanism: loss of function.

Submission:

Myriad Genetics, Inc.
Classification: Pathogenic for Familial adenomatous polyposis 1. Last evaluated: 2023-05-04. Review status: criteria provided, single submitter. Criteria: Myriad Autosomal Dominant, Autosomal Recessive and X-Linked Classification Criteria (2023). Collection method: clinical testing. Allele origin: unknown.
Comment: This variant is considered pathogenic. This variant creates a frameshift predicted to result in premature protein truncation.